The following is an entry in ClinVar:

NM_213599.3(ANO5):c.395A>T (p.Lys132Met)

Gene: ANO5 (anoctamin 5; plus strand). Cytogenetic location: 11p14.3.
Variant type: single nucleotide variant.
Coding change: c.395A>T on transcript NM_213599.3 (MANE Select); coding-DNA position 395, A replaced by T.
Protein change: p.Lys132Met; replaces lysine 132 with methionine.
Molecular consequence: missense variant.
Genome position (GRCh38, 1-based): chr11:22,227,333, A>T. VCF-style: chr11-22227333-A-T. GRCh37 (hg19) VCF-style: chr11-22248879-A-T.
Other names: c.392A>T, p.Lys131Met (NM_001142649.2); short protein forms K131M, K132M.
Identifiers: ClinVar variation 977163 (VCV000977163.9), dbSNP rs1852872996, ClinGen allele CA379919370.

ClinVar aggregate classification (germline): Conflicting classifications of pathogenicity. Review status: criteria provided, conflicting classifications (1 of 4 stars). 2 submissions from 2 submitters: Likely pathogenic (1); Uncertain significance (1). Last evaluated 2024-03-02.

Conditions:
Autosomal recessive limb-girdle muscular dystrophy type 2L (LGMDR12). Also called: Limb-girdle muscular dystrophy, type 2L; MUSCULAR DYSTROPHY, LIMB-GIRDLE, AUTOSOMAL RECESSIVE 12; Limb-Girdle Muscular Dystrophy R12 Anoctamin-5-Related (LGMD-R12). Identifiers: Orphanet 206549, MedGen C1969785, MONDO:0012652, OMIM 611307.
Gnathodiaphyseal dysplasia (GDD). Also called: GNATHODIAPHYSEAL SCLEROSIS; OSTEOGENESIS IMPERFECTA WITH UNUSUAL SKELETAL LESIONS. Identifiers: Orphanet 53697, MedGen C1833736, MONDO:0008151, OMIM 166260.
Limb-girdle muscular dystrophy (LGMD). Also called: Muscular Dystrophies, Limb-Girdle. Identifiers: Orphanet 263, MedGen C0686353, MeSH D049288, MONDO:0016971, HP:0006785.

Allele frequency attached by ClinVar (database versions not stated): gnomAD exomes below 0.00001.
gnomAD v4.1: 3 of 1,613,374 alleles (0.00019%); highest among the groups gnomAD compares: Non-Finnish European, 0.00025%; no homozygotes.

Submissions (2):

Labcorp Genetics (formerly Invitae), Labcorp
Classification: Likely pathogenic for Autosomal recessive limb-girdle muscular dystrophy type 2L; Gnathodiaphyseal dysplasia. Last evaluated: 2024-03-02. Review status: criteria provided, single submitter. Criteria: Invitae Variant Classification Sherloc (09022015). Collection method: clinical testing. Allele origin: germline.
Comment: This sequence change replaces lysine, which is basic and polar, with methionine, which is neutral and non-polar, at codon 132 of the ANO5 protein (p.Lys132Met). This variant is not present in population databases (gnomAD no frequency). This missense change has been observed in individuals with limb-girdle muscular dystrophy (PMID: 31395899; Invitae). ClinVar contains an entry for this variant (Variation ID: 977163). Advanced modeling of protein sequence and biophysical properties (such as structural, functional, and spatial information, amino acid conservation, physicochemical variation, residue mobility, and thermodynamic stability) performed at Invitae indicates that this missense variant is expected to disrupt ANO5 protein function with a positive predictive value of 95%. In summary, the currently available evidence indicates that the variant is pathogenic, but additional data are needed to prove that conclusively. Therefore, this variant has been classified as Likely Pathogenic.

Broad Center for Mendelian Genomics, Broad Institute of MIT and Harvard
Classification: Uncertain significance for Limb-girdle muscular dystrophy. Last evaluated: 2020-05-29. Review status: criteria provided, single submitter. Criteria: ACMG Guidelines, 2015. Collection method: research. Allele origin: germline. Inheritance: Autosomal recessive inheritance.
Comment: This variant was absent from large population studies. Computational prediction tools and conservation analyses suggest that this variant may impact the protein, though this information is not predictive enough to determine pathogenicity. In summary, the clinical significance of the p.Lys106Met variant is uncertain. ACMG/AMP Criteria applied: PP3, PM2 (Richards 2015).

Literature cited by the submitters: PubMed 31395899 (cited by Labcorp Genetics (formerly Invitae), Labcorp).